The following is an entry in ClinVar:

NM_016335.6(PRODH):c.930-7C>G

Gene: PRODH (proline dehydrogenase 1; minus strand). Cytogenetic location: 22q11.21.
Variant type: single nucleotide variant.
Coding change: c.930-7C>G on transcript NM_016335.6 (MANE Select); 7 bases into the intron before coding-DNA position 930, C replaced by G.
Molecular consequence: intron variant.
Genome position (GRCh38, 1-based): chr22:18,921,430, G>C on the plus strand (C>G on the coding strand, the complement: PRODH is on the minus strand). VCF-style: chr22-18921430-G-C. GRCh37 (hg19) VCF-style: chr22-18908943-G-C.
Other names: c.606-7C>G (NM_001195226.2, NM_001368250.2).
Identifiers: ClinVar variation 3655625 (VCV003655625.2).

ClinVar aggregate classification (germline): Uncertain significance (1 of 4 stars; one submission).

Conditions:
Proline dehydrogenase deficiency (HYRPRO1). Also called: PROLINE OXIDASE DEFICIENCY; Hyperprolinemia type 1. Identifiers: Orphanet 419, MedGen C0268529, MONDO:0009400, OMIM 239500.

Submission:

Labcorp Genetics (formerly Invitae), Labcorp
Classification: Uncertain significance for Proline dehydrogenase deficiency. Last evaluated: 2024-06-21. Review status: criteria provided, single submitter. Criteria: Invitae Variant Classification Sherloc (09022015). Collection method: clinical testing. Allele origin: germline.
Comment: This sequence change falls in intron 8 of the PRODH gene. It does not directly change the encoded amino acid sequence of the PRODH protein. This variant is not present in population databases (gnomAD no frequency). This variant has not been reported in the literature in individuals affected with PRODH-related conditions. Algorithms developed to predict the effect of sequence changes on RNA splicing suggest that this variant may disrupt the consensus splice site. In summary, the available evidence is currently insufficient to determine the role of this variant in disease. Therefore, it has been classified as a Variant of Uncertain Significance.